The following is an entry in ClinVar:

ClinVar aggregate classification (germline): Likely benign. Review status: criteria provided, multiple submitters, no conflicts (2 of 4 stars). 2 submissions from 2 submitters: Likely benign (2). Last evaluated 2026-08-19.

Conditions:
MPDZ-related disorder. Also called: MPDZ-related condition.

Allele frequency attached by ClinVar (database versions not stated): 1000 Genomes Project 30x 0.00031; 1000 Genomes Project 0.00040.
gnomAD v4.1: 107 of 1,608,612 alleles (0.0067%); highest among the groups gnomAD compares: Admixed American, 0.097%; 1 homozygote.

Submissions (2):

PreventionGenetics, part of Exact Sciences
Classification: Likely benign for MPDZ-related condition. Last evaluated: 2026-08-19. Review status: criteria provided, single submitter. Criteria: ACMG Guidelines, 2015. Collection method: clinical testing. Allele origin: germline.
Comment: This variant is classified as likely benign based on ACMG/AMP sequence variant interpretation guidelines (Richards et al. 2015 PMID: 25741868, with internal and published modifications).

Labcorp Genetics (formerly Invitae), Labcorp
Classification: Likely benign. Last evaluated: 2025-12-31. Review status: criteria provided, single submitter. Criteria: Invitae Variant Classification Sherloc (09022015). Collection method: clinical testing. Allele origin: germline.

NM_001378778.1(MPDZ):c.5830-4G>A

Gene: MPDZ (multiple PDZ domain crumbs cell polarity complex component; minus strand). Cytogenetic location: 9p23.
Variant type: single nucleotide variant.
Coding change: c.5830-4G>A on transcript NM_001378778.1 (MANE Select); 4 bases into the intron before coding-DNA position 5830, G replaced by A.
Molecular consequence: intron variant.
Genome position (GRCh38, 1-based): chr9:13,110,068, C>T on the plus strand (G>A on the coding strand, the complement: MPDZ is on the minus strand). VCF-style: chr9-13110068-C-T. GRCh37 (hg19) VCF-style: chr9-13110067-C-T.
Other names: c.5533-4G>A (NM_001375425.1, NM_001375426.1); c.5620-4G>A (NM_001375420.1, NM_001375423.1, NM_001375424.1 and 2 more transcripts); c.5644-4G>A (NM_001375419.1, NM_001261407.2); c.5731-4G>A (NM_001375416.1, NM_001375418.1, NM_001261406.2 and 1 more transcripts); c.5830-4G>A (NM_001330637.2); c.5422-4G>A (NM_001375427.1); c.5743-4G>A (NM_003829.5, NM_003829.4); c.5929-4G>A (NM_001375413.1).
Identifiers: ClinVar variation 1538350 (VCV001538350.9), dbSNP rs181920384, ClinGen allele CA4986072.